The following is an entry in ClinVar:

NM_005334.3(HCFC1):c.1250T>C (p.Val417Ala)

Gene: HCFC1 (host cell factor C1; minus strand). Cytogenetic location: Xq28.
Variant type: single nucleotide variant.
Coding change: c.1250T>C on transcript NM_005334.3 (MANE Select); coding-DNA position 1250, T replaced by C.
Protein change: p.Val417Ala; replaces valine 417 with alanine.
Molecular consequence: missense variant.
Genome position (GRCh38, 1-based): chrX:153,959,996, A>G on the plus strand (T>C on the coding strand, the complement: HCFC1 is on the minus strand). VCF-style: chrX-153959996-A-G. GRCh37 (hg19) VCF-style: chrX-153225447-A-G.
Other names: c.1250T>C, p.Val417Ala (NM_001410705.1); short protein forms V417A.
Identifiers: ClinVar variation 3340208 (VCV003340208.1).

ClinVar aggregate classification (germline): Uncertain significance (1 of 4 stars; one submission).

Submission:

GeneDx
Classification: Uncertain significance. Last evaluated: 2023-05-17. Review status: criteria provided, single submitter. Criteria: GeneDx Variant Classification Process June 2021. Collection method: clinical testing. Allele origin: germline. Affected: yes.
Comment: Not observed at significant frequency in large population cohorts (gnomAD); In silico analysis supports that this missense variant does not alter protein structure/function; Has not been previously published as pathogenic or benign to our knowledge